The following is an entry in ClinVar:

ClinVar aggregate classification (germline): Uncertain significance (1 of 4 stars; one submission).

Conditions:
Neurodevelopmental disorder with hypotonia and variable intellectual and behavioral abnormalities. Identifiers: MedGen C5231423, MONDO:0032829, OMIM 618603.

Submission:

Laboratorio de Genetica e Diagnostico Molecular, Hospital Israelita Albert Einstein
Classification: Uncertain significance for Neurodevelopmental disorder with hypotonia and variable intellectual and behavioral abnormalities. Last evaluated: 2025-03-21. Review status: criteria provided, single submitter. Criteria: ACMG Guidelines, 2015. Collection method: clinical testing. Allele origin: germline. Affected: yes.
Comment: ACMG classification criteria: PM2 supporting, PP2 supporting, PP3 supporting

NM_000937.5(POLR2A):c.1151T>C (p.Ile384Thr)

Gene: POLR2A (RNA polymerase II subunit A; plus strand). Cytogenetic location: 17p13.1.
Variant type: single nucleotide variant.
Coding change: c.1151T>C on transcript NM_000937.5 (MANE Select); coding-DNA position 1151, T replaced by C.
Protein change: p.Ile384Thr; replaces isoleucine 384 with threonine.
Molecular consequence: missense variant.
Genome position (GRCh38, 1-based): chr17:7,497,819, T>C. VCF-style: chr17-7497819-T-C. GRCh37 (hg19) VCF-style: chr17-7401138-T-C.
Other names: short protein forms I384T.
Identifiers: ClinVar variation 4056750 (VCV004056750.1).